The following is an entry in ClinVar:

ClinVar aggregate classification (germline): Pathogenic/Likely pathogenic. Review status: criteria provided, multiple submitters, no conflicts (2 of 4 stars). 5 submissions from 5 submitters: Pathogenic (3); Likely pathogenic (2). Last evaluated 2025-04-03.

Conditions:
Hereditary cancer-predisposing syndrome. Also called: Hereditary Cancer Syndrome; Neoplastic Syndromes, Hereditary; Tumor predisposition; Hereditary neoplastic syndrome. Identifiers: Orphanet 140162, MedGen C0027672, MeSH D009386, MONDO:0015356.
Familial cancer of breast. Also called: Hereditary breast cancer; BREAST CANCER, FAMILIAL; hereditary breast carcinoma. Identifiers: Orphanet 227535, MedGen C0346153, MONDO:0016419, OMIM 114480. Disease mechanism: loss of function.

gnomAD v4.1: 1 of 1,614,194 alleles (0.000062%); highest among the groups gnomAD compares: Non-Finnish European, 0.000085%; no homozygotes.

Submissions (5):

Ambry Genetics
Classification: Likely pathogenic for Hereditary cancer-predisposing syndrome. Last evaluated: 2025-04-03. Review status: criteria provided, single submitter. Criteria: Ambry Variant Classification Scheme 2023. Collection method: clinical testing. Allele origin: germline.
Comment: The p.Q715* variant (also known as c.2143C>T), located in coding exon 11 of the BARD1 gene, results from a C to T substitution at nucleotide position 2143. This changes the amino acid from a glutamine to a stop codon within coding exon 11. This alteration occurs at the 3' terminus of BARD1 gene, is not expected to trigger nonsense-mediated mRNA decay, and impacts the last 8% of the protein. However, premature stop codons are typically deleterious in nature and a significant portion of the protein is affected and the impacted region is critical for protein function (Ambry internal data). This variant was reported in individual(s) with features consistent with BARD1-related cancer predisposition; in at least one individual, it was determined to co-occur with a BRCA1 mutation (Norquist BM et al. JAMA Oncol, 2016 Apr;2:482-90). This variant is considered to be rare based on population cohorts in the Genome Aggregation Database (gnomAD). Based on the majority of available evidence to date, this variant is likely to be pathogenic.

Center for Genomic Medicine, Rigshospitalet, Copenhagen University Hospital
Classification: Pathogenic. Last evaluated: 2025-03-04. Review status: criteria provided, single submitter. Criteria: ACMG Guidelines, 2015. Collection method: clinical testing. Allele origin: germline.

Labcorp Genetics (formerly Invitae), Labcorp
Classification: Likely pathogenic for Familial cancer of breast. Last evaluated: 2024-12-19. Review status: criteria provided, single submitter. Criteria: Invitae Variant Classification Sherloc (09022015). Collection method: clinical testing. Allele origin: germline.
Comment: This sequence change creates a premature translational stop signal (p.Gln715*) in the BARD1 gene. While this is not anticipated to result in nonsense mediated decay, it is expected to disrupt the last 63 amino acid(s) of the BARD1 protein. This variant is not present in population databases (gnomAD no frequency). This premature translational stop signal has been observed in individual(s) with ovarian cancer (PMID: 26720728). ClinVar contains an entry for this variant (Variation ID: 490955). RNA analysis performed to evaluate the impact of this premature translational stop signal on mRNA splicing indicates it does not significantly alter splicing (internal data). This variant disrupts the C-terminal BRCT domain of BARD1 protein, which is required for chromosome stability and homology-directed repair (PMID: 17848578). A different variant (p.Val767fs) that lies downstream of this variant has been reported to affect BARD1 protein function (PMID: 30925164), this suggests that disruption of this region of the protein is causative of disease. In summary, the currently available evidence indicates that the variant is pathogenic, but additional data are needed to prove that conclusively. Therefore, this variant has been classified as Likely Pathogenic.

Myriad Genetics, Inc.
Classification: Pathogenic for Familial cancer of breast. Last evaluated: 2023-05-25. Review status: criteria provided, single submitter. Criteria: Myriad Autosomal Dominant, Autosomal Recessive and X-Linked Classification Criteria (2023). Collection method: clinical testing. Allele origin: unknown.
Comment: This variant is considered pathogenic. This variant creates a termination codon and is predicted to result in premature protein truncation.

Color Diagnostics, LLC DBA Color Health
Classification: Pathogenic for Hereditary cancer-predisposing syndrome. Last evaluated: 2020-05-13. Review status: criteria provided, single submitter. Criteria: ACMG Guidelines, 2015. Collection method: clinical testing. Allele origin: germline.
Comment: This variant changes 1 nucleotide in exon 11 of the BARD1 gene, creating a premature translation stop signal. This variant is not expected to trigger nonsense-mediated decay. However, it is expected to result in an absent or non-functional protein product. This variant has been reported in an individual affected with ovarian cancer who has a pathogenic BRCA1 co-variant (PMID: 24240112, 26720728). This variant has not been identified in the general population by the Genome Aggregation Database (gnomAD). Loss of BARD1 function is a known mechanism of disease. Based on the available evidence, this variant is classified as Pathogenic.

Literature cited by the submitters: PubMed 26720728 (cited by Ambry Genetics and Labcorp Genetics (formerly Invitae), Labcorp); PubMed 17848578 (cited by Labcorp Genetics (formerly Invitae), Labcorp); PubMed 30925164 (cited by Labcorp Genetics (formerly Invitae), Labcorp).

NM_000465.4(BARD1):c.2143C>T (p.Gln715Ter)

Gene: BARD1 (BRCA1 associated RING domain 1; minus strand). Cytogenetic location: 2q35.
Variant type: single nucleotide variant.
Coding change: c.2143C>T on transcript NM_000465.4 (MANE Select); coding-DNA position 2143, C replaced by T.
Protein change: p.Gln715Ter; replaces glutamine 715 with a stop codon.
Molecular consequence: nonsense. On other transcripts: non-coding transcript variant (3).
Genome position (GRCh38, 1-based): chr2:214,728,867, G>A on the plus strand (C>T on the coding strand, the complement: BARD1 is on the minus strand). VCF-style: chr2-214728867-G-A. GRCh37 (hg19) VCF-style: chr2-215593591-G-A.
Other names: c.2086C>T, p.Gln696Ter (NM_001282543.2); c.790C>T, p.Gln264Ter (NM_001282545.2); c.733C>T, p.Gln245Ter (NM_001282548.2); c.604C>T, p.Gln202Ter (NM_001282549.2); c.2143C>T (NM_000465.2); short protein forms Q715*, Q202*, Q245*, Q696*, Q264*.
Identifiers: ClinVar variation 490955 (VCV000490955.12), dbSNP rs1553612164, ClinGen allele CA350450495.